The following is an entry in ClinVar:

ClinVar aggregate classification (germline): Conflicting classifications of pathogenicity. Review status: criteria provided, conflicting classifications (1 of 4 stars). 2 submissions from 2 submitters: Pathogenic (1); Uncertain significance (1). Last evaluated 2023-10-13.

Conditions:
Neurofibromatosis, type 1 (NF1). Also called: Neurofibromatosis, type I; VON RECKLINGHAUSEN DISEASE; NEUROFIBROMATOSIS, TYPE I, SOMATIC; Peripheral type neurofibromatosis. Identifiers: Orphanet 636, MedGen C0027831, MONDO:0018975, OMIM 162200. Disease mechanism: loss of function.

Submissions (2):

Labcorp Genetics (formerly Invitae), Labcorp
Classification: Pathogenic for Neurofibromatosis, type 1. Last evaluated: 2023-10-13. Review status: criteria provided, single submitter. Criteria: Invitae Variant Classification Sherloc (09022015). Collection method: clinical testing. Allele origin: germline.
Comment: This sequence change replaces leucine, which is neutral and non-polar, with proline, which is neutral and non-polar, at codon 552 of the NF1 protein (p.Leu552Pro). This variant is not present in population databases (gnomAD no frequency). This missense change has been observed in individual(s) with clinical features of NF1-Noonan syndrome (Invitae). In at least one individual the variant was observed to be de novo. ClinVar contains an entry for this variant (Variation ID: 996460). Advanced modeling of protein sequence and biophysical properties (such as structural, functional, and spatial information, amino acid conservation, physicochemical variation, residue mobility, and thermodynamic stability) performed at Invitae indicates that this missense variant is expected to disrupt NF1 protein function. For these reasons, this variant has been classified as Pathogenic.

Genome Diagnostics Laboratory, The Hospital for Sick Children
Classification: Uncertain significance for Neurofibromatosis, type 1. Last evaluated: 2020-10-26. Review status: criteria provided, single submitter. Criteria: ACMG Guidelines, 2015. Collection method: clinical testing. Allele origin: germline. Affected: yes.

NM_001042492.3(NF1):c.1655T>C (p.Leu552Pro)

Gene: NF1 (neurofibromin 1; plus strand). Cytogenetic location: 17q11.2.
Variant type: single nucleotide variant.
Coding change: c.1655T>C on transcript NM_001042492.3 (MANE Select); coding-DNA position 1655, T replaced by C.
Protein change: p.Leu552Pro; replaces leucine 552 with proline.
Molecular consequence: missense variant.
Genome position (GRCh38, 1-based): chr17:31,221,863, T>C. VCF-style: chr17-31221863-T-C. GRCh37 (hg19) VCF-style: chr17-29548881-T-C.
Other names: c.1655T>C, p.Leu552Pro (NM_001128147.3, NM_000267.4); short protein forms L552P.
Identifiers: ClinVar variation 996460 (VCV000996460.7), dbSNP rs1555613193, ClinGen allele CA399002233.